The following is an entry in ClinVar:

NC_000016.9:g.(?_29824744)_(29826559_?)del

Gene: PRRT2 (proline rich transmembrane protein 2; plus strand). Cytogenetic location: 16p11.2.
Variant type: Deletion.
Identifiers: ClinVar variation 2427334 (VCV002427334.4).

ClinVar aggregate classification (germline): Pathogenic (1 of 4 stars; one submission).

Conditions:
Episodic kinesigenic dyskinesia (EKD). Also called: Paroxysmal kinesigenic dyskinesia. Identifiers: Orphanet 98809, MedGen C1868682, MONDO:0044202.

Submission:

Labcorp Genetics (formerly Invitae), Labcorp
Classification: Pathogenic for Episodic kinesigenic dyskinesia. Last evaluated: 2022-02-24. Review status: criteria provided, single submitter. Criteria: Invitae Variant Classification Sherloc (09022015). Collection method: clinical testing. Allele origin: germline.
Comment: For these reasons, this variant has been classified as Pathogenic. This variant disrupts a region of the PRRT2 protein in which other variant(s) (p.Gly324Glu) have been determined to be pathogenic (PMID: 23077026, 30980674; Invitae). This suggests that this is a clinically significant region of the protein, and that variants that disrupt it are likely to be disease-causing. This variant has not been reported in the literature in individuals affected with PRRT2-related conditions. This variant results in the deletion of exons 3-4 and part of exon 2 (c.369_*600delins21) of the PRRT2 gene. While this deletion is not anticipated to lead to nonsense mediated decay, it is expected to alter mRNA translation or result in a truncated protein product.

Literature cited by the submitters: PubMed 23077026; PubMed 30980674.